The following is an entry in ClinVar:

ClinVar aggregate classification (germline): Uncertain significance (1 of 4 stars; one submission).

Submission:

GeneDx
Classification: Uncertain significance. Last evaluated: 2025-06-16. Review status: criteria provided, single submitter. Criteria: GeneDx Variant Classification Process June 2021. Collection method: clinical testing. Allele origin: germline. Affected: yes.
Comment: Not observed at significant frequency in large population cohorts (gnomAD); In silico analysis suggests that this missense variant does not alter protein structure/function; Has not been previously published as pathogenic or benign to our knowledge

NM_001080421.3(UNC13A):c.464A>G (p.Asp155Gly)

Gene: UNC13A (unc-13 homolog A; minus strand). Cytogenetic location: 19p13.11.
Variant type: single nucleotide variant.
Coding change: c.464A>G on transcript NM_001080421.3 (MANE Select); coding-DNA position 464, A replaced by G.
Protein change: p.Asp155Gly; replaces aspartic acid 155 with glycine.
Molecular consequence: missense variant.
Genome position (GRCh38, 1-based): chr19:17,668,121, T>C on the plus strand (A>G on the coding strand, the complement: UNC13A is on the minus strand). VCF-style: chr19-17668121-T-C. GRCh37 (hg19) VCF-style: chr19-17778930-T-C.
Other names: c.464A>G, p.Asp155Gly (NM_001387021.1, NM_001387022.1, NM_001387023.1); short protein forms D155G.
Identifiers: ClinVar variation 4538686 (VCV004538686.1).